The following is an entry in ClinVar:

NM_001013838.3(CARMIL2):c.2999C>T (p.Pro1000Leu)

Gene: CARMIL2 (capping protein regulator and myosin 1 linker 2; plus strand). Cytogenetic location: 16q22.1.
Variant type: single nucleotide variant.
Coding change: c.2999C>T on transcript NM_001013838.3 (MANE Select); coding-DNA position 2999, C replaced by T.
Protein change: p.Pro1000Leu; replaces proline 1000 with leucine.
Molecular consequence: missense variant.
Genome position (GRCh38, 1-based): chr16:67,653,133, C>T. VCF-style: chr16-67653133-C-T. GRCh37 (hg19) VCF-style: chr16-67687036-C-T.
Other names: c.2891C>T, p.Pro964Leu (NM_001317026.3); short protein forms P1000L, P964L.
Identifiers: ClinVar variation 1487605 (VCV001487605.5), dbSNP rs1216472177, ClinGen allele CA396343013.

ClinVar aggregate classification (germline): Uncertain significance (1 of 4 stars; one submission).

Allele frequency attached by ClinVar (database versions not stated): TOPMed below 0.00001; gnomAD 0.00001; gnomAD exomes 0.00001; 1000 Genomes Project 30x 0.00031.
gnomAD v4.1: 10 of 1,115,728 alleles (0.0009%); highest among the groups gnomAD compares: African/African-American, 0.0017%; no homozygotes.

Submission:

Labcorp Genetics (formerly Invitae), Labcorp
Classification: Uncertain significance. Last evaluated: 2021-09-24. Review status: criteria provided, single submitter. Criteria: Invitae Variant Classification Sherloc (09022015). Collection method: clinical testing. Allele origin: germline.
Comment: This sequence change replaces proline with leucine at codon 1000 of the CARMIL2 protein (p.Pro1000Leu). The proline residue is weakly conserved and there is a moderate physicochemical difference between proline and leucine. The frequency data for this variant in the population databases is considered unreliable, as metrics indicate insufficient coverage at this position in the ExAC database. This variant has not been reported in the literature in individuals with CARMIL2-related conditions. Algorithms developed to predict the effect of missense changes on protein structure and function (SIFT, PolyPhen-2, Align-GVGD) all suggest that this variant is likely to be tolerated, but these predictions have not been confirmed by published functional studies and their clinical significance is uncertain. In summary, the available evidence is currently insufficient to determine the role of this variant in disease. Therefore, it has been classified as a Variant of Uncertain Significance.